The following is an entry in ClinVar:

ClinVar aggregate classification (germline): Uncertain significance. Review status: criteria provided, multiple submitters, no conflicts (2 of 4 stars). 2 submissions from 2 submitters: Uncertain significance (2). Last evaluated 2024-06-21.

Conditions:
Inborn genetic diseases. Identifiers: MedGen C0950123, MeSH D030342.

gnomAD v4.1: 1 of 1,614,068 alleles (0.000062%); no homozygotes.

Submissions (2):

Blueprint Genetics
Classification: Uncertain significance. Last evaluated: 2024-06-21. Review status: criteria provided, single submitter. Criteria: ACMG Guidelines, 2015. Collection method: clinical testing. Allele origin: germline.

Ambry Genetics
Classification: Uncertain significance for Inborn genetic diseases. Last evaluated: 2022-09-23. Review status: criteria provided, single submitter. Criteria: Ambry Variant Classification Scheme 2023. Collection method: clinical testing. Allele origin: germline.
Comment: The alteration results in an amino acid change:_x000D_ _x000D_ The c.2374A>G (p.M792V) alteration is located in exon 20 (coding exon 19) of the TRRAP gene. This alteration results from a A to G substitution at nucleotide position 2374, causing the methionine (M) at amino acid position 792 to be replaced by a valine (V). The alteration is not observed in population databases: _x000D_ _x000D_ Based on data from the Genome Aggregation Database (gnomAD), the TRRAP c.2374A>G alteration was not observed, with coverage at this position. The altered amino acid is conserved throughout evolution:_x000D_ _x000D_ The p.M792 amino acid is conserved in available vertebrate species. The alteration is predicted tolerated by in silico modeling:_x000D_ _x000D_ The p.M792V alteration is predicted to be tolerated by in silico analysis. Based on insufficient or conflicting evidence, the clinical significance of this alteration remains unclear.

NM_001375524.1(TRRAP):c.2374A>G (p.Met792Val)

Gene: TRRAP (transformation/transcription domain associated protein; plus strand). Cytogenetic location: 7q22.1.
Variant type: single nucleotide variant.
Coding change: c.2374A>G on transcript NM_001375524.1 (MANE Select); coding-DNA position 2374, A replaced by G.
Protein change: p.Met792Val; replaces methionine 792 with valine.
Molecular consequence: missense variant.
Genome position (GRCh38, 1-based): chr7:98,917,431, A>G. VCF-style: chr7-98917431-A-G. GRCh37 (hg19) VCF-style: chr7-98515054-A-G.
Other names: c.2374A>G, p.Met792Val (NM_001244580.2, NM_003496.4); short protein forms M792V.
Identifiers: ClinVar variation 985667 (VCV000985667.5), dbSNP rs1368868819, ClinGen allele CA368291357.